The following is an entry in ClinVar:

ClinVar aggregate classification (germline): Uncertain significance (1 of 4 stars; one submission).

Conditions:
Inborn genetic diseases. Identifiers: MedGen C0950123, MeSH D030342.

Submission:

Ambry Genetics
Classification: Uncertain significance for Inborn genetic diseases. Last evaluated: 2020-05-04. Review status: criteria provided, single submitter. Criteria: Ambry Variant Classification Scheme 2023. Collection method: clinical testing. Allele origin: germline.
Comment: The p.L5V variant (also known as c.13C>G), located in coding exon 1 of the GABRB3 gene, results from a C to G substitution at nucleotide position 13. The leucine at codon 5 is replaced by valine, an amino acid with highly similar properties. This amino acid position is highly conserved in available vertebrate species. In addition, this alteration is predicted to be tolerated by in silico analysis. Since supporting evidence is limited at this time, the clinical significance of this alteration remains unclear.

NM_021912.5(GABRB3):c.13C>G (p.Leu5Val)

Gene: GABRB3 (gamma-aminobutyric acid type A receptor subunit beta3; minus strand). Cytogenetic location: 15q12.
Variant type: single nucleotide variant.
Coding change: c.13C>G on transcript NM_021912.5; coding-DNA position 13, C replaced by G.
Protein change: p.Leu5Val; replaces leucine 5 with valine.
Molecular consequence: missense variant.
Genome position (GRCh38, 1-based): chr15:26,773,712, G>C on the plus strand (C>G on the coding strand, the complement: GABRB3 is on the minus strand). VCF-style: chr15-26773712-G-C. GRCh37 (hg19) VCF-style: chr15-27018859-G-C.
Other names: short protein forms L5V.
Identifiers: ClinVar variation 1771759 (VCV001771759.2), dbSNP rs1299565081, ClinGen allele CA391465846.